The following is an entry in ClinVar:

NM_024422.6(DSC2):c.34G>A (p.Gly12Arg)

Genes: DSC2 (desmocollin 2; minus strand), DSCAS (DSC1/DSC2 antisense RNA; plus strand). Cytogenetic location: 18q12.1.
Variant type: single nucleotide variant.
Coding change: c.34G>A on transcript NM_024422.6 (MANE Select); coding-DNA position 34, G replaced by A.
Protein change: p.Gly12Arg; replaces glycine 12 with arginine.
Molecular consequence: missense variant.
Genome position (GRCh38, 1-based): chr18:31,101,938, C>T on the plus strand (G>A on the coding strand, the complement: DSC2 is on the minus strand). VCF-style: chr18-31101938-C-T. GRCh37 (hg19) VCF-style: chr18-28681901-C-T.
Other names: p.G12R:GGA>AGA; c.34G>A, p.Gly12Arg (NM_004949.5); short protein forms G12R.
Identifiers: ClinVar variation 199777 (VCV000199777.23), dbSNP rs568391206, ClinGen allele CA022807.
Genomic context (GRCh38, chr18:31,101,938, plus strand): 5'-GAGCGGTGGCCGCGGCTACACTCACCGCGAGGGTCAGCAGGAGCAGCCGGCAGAGGGCTC[C>T]GTTCCAGGAGCCGGAGGGGCGGGCTGCCTCCATGGAGAGGGCTCGGGGCAGGTCGCGGGC-3'
Protein context (NP_077740.1, residues 2-22): EAARPSGSWN[Gly12Arg]ALCRLLLLTL

ClinVar aggregate classification (germline): Benign/Likely benign. Review status: criteria provided, multiple submitters, no conflicts (2 of 4 stars). 9 submissions from 9 submitters: Benign (3); Likely benign (5). 1 of the submissions does not count toward it. Last evaluated 2026-01-18.

Conditions:
DSC2-related disorder. Also called: DSC2-related condition.
Cardiovascular phenotype. Identifiers: MedGen CN230736.
Familial isolated arrhythmogenic right ventricular dysplasia. Identifiers: Orphanet 217656, MedGen C4274968, MONDO:0016342.
Cardiomyopathy (CMYO). Also called: Cardiomyopathies. Identifiers: Orphanet 167848, MedGen C0878544, MONDO:0004994, HP:0001638. Inheritance: Various modes of inheritance.
Arrhythmogenic right ventricular dysplasia 11. Also called: Arrhythmogenic right ventricular dysplasia 11 with mild palmoplantar keratoderma and woolly hair; Arrhythmogenic Right Ventricular Dysplasia/Cardiomyopathy11; ARRHYTHMOGENIC RIGHT VENTRICULAR DYSPLASIA, FAMILIAL, 11. Identifiers: MedGen C1864850, MONDO:0012506, OMIM 610476.

Allele frequency attached by ClinVar (database versions not stated): 1000 Genomes Project 30x 0.00094; ExAC 0.00036; gnomAD exomes 0.00019; 1000 Genomes Project 0.00040; gnomAD 0.00093 and 0.00086; TOPMed 0.00111.

Submissions (9):

Labcorp Genetics (formerly Invitae), Labcorp
Classification: Likely benign for Arrhythmogenic right ventricular dysplasia 11. Last evaluated: 2026-01-18. Review status: criteria provided, single submitter. Criteria: Invitae Variant Classification Sherloc (09022015). Collection method: clinical testing. Allele origin: germline.

Molecular Diagnostic Laboratory for Inherited Cardiovascular Disease, Montreal Heart Institute
Classification: Benign. Last evaluated: 2025-04-09. Review status: criteria provided, single submitter. Criteria: ACMG Guidelines, 2015. Collection method: clinical testing. Allele origin: germline. Affected: no.
Comment: BS1;BS2;BP4;BP6

All of Us Research Program, National Institutes of Health
Classification: Likely benign for Familial isolated arrhythmogenic right ventricular dysplasia. Last evaluated: 2024-09-23. Review status: criteria provided, single submitter. Criteria: ACMG Guidelines, 2015. Collection method: clinical testing. Allele origin: germline. Inheritance: Autosomal dominant inheritance. Observed: 82 variant alleles, 82 heterozygotes.
Comment: This study involves interpretation of variants in research participants for the purpose of population health screening. Participant phenotype was not available at the time of variant classification. Additional details can be found in publication PMID: 35346344, PMCID: PMC8962531

Color Diagnostics, LLC DBA Color Health
Classification: Likely benign for Cardiomyopathy. Last evaluated: 2022-09-28. Review status: criteria provided, single submitter. Criteria: ACMG Guidelines, 2015. Collection method: clinical testing. Allele origin: germline.

Women's Health and Genetics/Laboratory Corporation of America, LabCorp
Classification: Benign. Last evaluated: 2020-08-31. Review status: criteria provided, single submitter. Criteria: LabCorp Variant Classification Summary - May 2015. Collection method: clinical testing. Allele origin: germline.
Comment: Variant summary: DSC2 c.34G>A (p.Gly12Arg) results in a non-conservative amino acid change in the encoded protein sequence. Three of five in-silico tools predict a damaging effect of the variant on protein function. The variant allele was found at a frequency of 0.00019 in 123860 control chromosomes. The observed variant frequency is approximately 19 fold of the estimated maximal expected allele frequency for a pathogenic variant in DSC2 causing Arrhythmia phenotype (1e-05), strongly suggesting that the variant is benign. c.34G>A has been reported in the literature in individuals affected with Cardiovascular disease. These reports do not provide unequivocal conclusions about association of the variant with Cardiovascular disease. To our knowledge, no experimental evidence demonstrating an impact on protein function has been reported. Three clinical diagnostic laboratories have submitted clinical-significance assessments for this variant to ClinVar after 2014 without evidence for independent evaluation. All laboratories classified the variant as benign/likely benign. Based on the evidence outlined above, the variant was classified as benign.

GeneDx
Classification: Likely benign. Last evaluated: 2020-02-12. Review status: criteria provided, single submitter. Criteria: GeneDx Variant Classification Process June 2021. Collection method: clinical testing. Allele origin: germline. Affected: yes.
Comment: This variant is associated with the following publications: (PMID: 21636032, 25351510)

Ambry Genetics
Classification: Likely benign for Cardiovascular phenotype. Last evaluated: 2019-08-01. Review status: criteria provided, single submitter. Criteria: Ambry Variant Classification Scheme 2023. Collection method: clinical testing. Allele origin: germline.

CHEO Genetics Diagnostic Laboratory, Children's Hospital of Eastern Ontario
Classification: Benign for Cardiomyopathy. Last evaluated: 2018-08-21. Review status: criteria provided, single submitter. Criteria: ACMG Guidelines, 2015. Collection method: clinical testing. Allele origin: germline.

PreventionGenetics, part of Exact Sciences
Classification: Likely benign for DSC2-related condition. Last evaluated: 2022-12-17. Review status: no assertion criteria provided. Collection method: clinical testing. Allele origin: germline. Not counted in ClinVar's aggregate classification.
Comment: This variant is classified as likely benign based on ACMG/AMP sequence variant interpretation guidelines (Richards et al. 2015 PMID: 25741868, with internal and published modifications).

Literature cited by the submitters: PubMed 21636032 (cited by Women's Health and Genetics/Laboratory Corporation of America, LabCorp and Ambry Genetics); PubMed 25351510 (cited by Women's Health and Genetics/Laboratory Corporation of America, LabCorp and Ambry Genetics).